The following is an entry in ClinVar:

NM_001277115.2(DNAH11):c.7980A>C (p.Gln2660His)

Gene: DNAH11 (dynein axonemal heavy chain 11; plus strand). Cytogenetic location: 7p15.3.
Variant type: single nucleotide variant.
Coding change: c.7980A>C on transcript NM_001277115.2 (MANE Select); coding-DNA position 7980, A replaced by C.
Protein change: p.Gln2660His; replaces glutamine 2660 with histidine.
Molecular consequence: missense variant.
Genome position (GRCh38, 1-based): chr7:21,741,992, A>C. VCF-style: chr7-21741992-A-C. GRCh37 (hg19) VCF-style: chr7-21781610-A-C.
Other names: short protein forms Q2660H.
Identifiers: ClinVar variation 572615 (VCV000572615.12), dbSNP rs752284064, ClinGen allele CA4181439.
Genomic context (GRCh38, chr7:21,741,992, plus strand): 5'-TTTCACAGTGTTTGCATTCAATTTTCCATCTTTGGATGCACTAAACACCATCTATGGCCA[A>C]ATCTTTAGCTTCCATTTCCAACAGCAAGCATTTGCTCCATCAATTCTCAGGAGTGGCCCC-3'
Protein context (NP_001264044.1, residues 2650-2670): SLDALNTIYG[Gln2660His]IFSFHFQQQA

ClinVar aggregate classification (germline): Uncertain significance. Review status: criteria provided, multiple submitters, no conflicts (2 of 4 stars). 4 submissions from 4 submitters: Uncertain significance (4). Last evaluated 2024-08-07.

Conditions:
Primary ciliary dyskinesia 7. Also called: CILIARY DYSKINESIA, PRIMARY, 7, WITH OR WITHOUT SITUS INVERSUS. Identifiers: Orphanet 244, MedGen C2678473, MONDO:0012748, OMIM 611884.
Primary ciliary dyskinesia. Also called: Ciliary dyskinesia. Identifiers: Orphanet 244, MedGen C0008780, MONDO:0016575, HP:0012265.

Allele frequency attached by ClinVar (database versions not stated): gnomAD 0.00009 and 0.00011; TOPMed 0.00012.
gnomAD v4.1: 344 of 1,613,840 alleles (0.021%); highest among the groups gnomAD compares: Non-Finnish European, 0.027%; no homozygotes.

Submissions (4):

Ambry Genetics
Classification: Uncertain significance for Primary ciliary dyskinesia. Last evaluated: 2024-08-07. Review status: criteria provided, single submitter. Criteria: Ambry Variant Classification Scheme 2023. Collection method: clinical testing. Allele origin: germline.
Comment: The p.Q2660H variant (also known as c.7980A>C), located in coding exon 49 of the DNAH11 gene, results from an A to C substitution at nucleotide position 7980. The glutamine at codon 2660 is replaced by histidine, an amino acid with highly similar properties. This amino acid position is conserved. In addition, this alteration is predicted to be tolerated by in silico analysis. Based on the available evidence, the clinical significance of this variant remains unclear.

Labcorp Genetics (formerly Invitae), Labcorp
Classification: Uncertain significance for Primary ciliary dyskinesia. Last evaluated: 2022-06-13. Review status: criteria provided, single submitter. Criteria: Invitae Variant Classification Sherloc (09022015). Collection method: clinical testing. Allele origin: germline.
Comment: This sequence change replaces glutamine, which is neutral and polar, with histidine, which is basic and polar, at codon 2660 of the DNAH11 protein (p.Gln2660His). This variant is present in population databases (rs752284064, gnomAD 0.02%). This variant has not been reported in the literature in individuals affected with DNAH11-related conditions. ClinVar contains an entry for this variant (Variation ID: 572615). Advanced modeling of protein sequence and biophysical properties (such as structural, functional, and spatial information, amino acid conservation, physicochemical variation, residue mobility, and thermodynamic stability) performed at Invitae indicates that this missense variant is not expected to disrupt DNAH11 protein function. In summary, the available evidence is currently insufficient to determine the role of this variant in disease. Therefore, it has been classified as a Variant of Uncertain Significance.

UNC Molecular Genetics  Laboratory, University of North Carolina at Chapel Hill
Classification: Uncertain significance for Primary ciliary dyskinesia. Last evaluated: 2021-02-16. Review status: criteria provided, single submitter. Criteria: ACMG Guidelines, 2015. Collection method: clinical testing. Allele origin: germline. Observed: 1 heterozygote.

Illumina Laboratory Services, Illumina
Classification: Uncertain significance for Primary ciliary dyskinesia 7. Last evaluated: 2018-01-13. Review status: criteria provided, single submitter. Criteria: ICSL Variant Classification Criteria 13 December 2019. Collection method: clinical testing. Allele origin: germline.